The following is an entry in ClinVar:

ClinVar aggregate classification (germline): Uncertain significance (1 of 4 stars; one submission).

Conditions:
Loeys-Dietz syndrome 2 (LDS2). Also called: Marfan syndrome, type 2 (formerly); TGFBR2-Related Loeys-Dietz Syndrome; Marfan Syndrome type 2; Marfan like connective tissue disorder; MFS 2; AORTIC ANEURYSM, FAMILIAL THORACIC 3. Identifiers: Orphanet 284973, Orphanet 558, MedGen C2674574, MONDO:0012427, OMIM 610168.

Submission:

Labcorp Genetics (formerly Invitae), Labcorp
Classification: Uncertain significance for Loeys-Dietz syndrome 2. Last evaluated: 2024-03-07. Review status: criteria provided, single submitter. Criteria: Invitae Variant Classification Sherloc (09022015). Collection method: clinical testing. Allele origin: germline.
Comment: This sequence change creates a premature translational stop signal (p.Lys665*) in the TMPO gene. While this is not anticipated to result in nonsense mediated decay, it is expected to disrupt the last 30 amino acid(s) of the TMPO protein. This variant is not present in population databases (gnomAD no frequency). This variant has not been reported in the literature in individuals affected with TMPO-related conditions. In summary, the available evidence is currently insufficient to determine the role of this variant in disease. Therefore, it has been classified as a Variant of Uncertain Significance.

NM_001032283.3(TMPO):c.565+2412A>T

Gene: TMPO (thymopoietin; plus strand). Cytogenetic location: 12q23.1.
Variant type: single nucleotide variant.
Coding change: c.565+2412A>T on transcript NM_001032283.3 (MANE Select); 2412 bases into the intron after coding-DNA position 565, A replaced by T.
Molecular consequence: intron variant. On other transcripts: nonsense (1).
Genome position (GRCh38, 1-based): chr12:98,534,250, A>T. VCF-style: chr12-98534250-A-T. GRCh37 (hg19) VCF-style: chr12-98928028-A-T.
Other names: c.1993A>T, p.Lys665Ter (NM_003276.2); c.565+2412A>T (NM_001307975.2, NM_001032284.3); short protein forms K665*.
Identifiers: ClinVar variation 3004111 (VCV003004111.3), dbSNP rs2548505268, ClinGen allele CA386154376.